The following is an entry in ClinVar:

NM_001378418.1(TCF20):c.3013T>C (p.Ser1005Pro)

Gene: TCF20 (transcription factor 20; minus strand). Cytogenetic location: 22q13.2.
Variant type: single nucleotide variant.
Coding change: c.3013T>C on transcript NM_001378418.1 (MANE Select); coding-DNA position 3013, T replaced by C.
Protein change: p.Ser1005Pro; replaces serine 1005 with proline.
Molecular consequence: missense variant.
Genome position (GRCh38, 1-based): chr22:42,212,293, A>G on the plus strand (T>C on the coding strand, the complement: TCF20 is on the minus strand). VCF-style: chr22-42212293-A-G. GRCh37 (hg19) VCF-style: chr22-42608299-A-G.
Other names: c.3013T>C (NM_005650.1); c.3013T>C, p.Ser1005Pro (NM_005650.4, NM_181492.3); short protein forms S1005P.
Identifiers: ClinVar variation 2977218 (VCV002977218.4), dbSNP rs376665590, ClinGen allele CA10266914.

ClinVar aggregate classification (germline): Conflicting classifications of pathogenicity. Review status: criteria provided, conflicting classifications (1 of 4 stars). 2 submissions from 2 submitters: Uncertain significance (1); Likely benign (1). Last evaluated 2025-10-20.

Conditions:
Inborn genetic diseases. Identifiers: MedGen C0950123, MeSH D030342.

Allele frequency attached by ClinVar (database versions not stated): TOPMed 0.00004; ExAC 0.00003; gnomAD 0.00001; gnomAD exomes 0.00002; ESP Exome Variant Server 0.00008.
gnomAD v4.1: 30 of 1,613,976 alleles (0.0019%); highest among the groups gnomAD compares: Non-Finnish European, 0.0025%; no homozygotes.

Submissions (2):

Labcorp Genetics (formerly Invitae), Labcorp
Classification: Uncertain significance. Last evaluated: 2025-10-20. Review status: criteria provided, single submitter. Criteria: Invitae Variant Classification Sherloc (09022015). Collection method: clinical testing. Allele origin: germline.
Comment: This sequence change replaces serine, which is neutral and polar, with proline, which is neutral and non-polar, at codon 1005 of the TCF20 protein (p.Ser1005Pro). This variant is present in population databases (rs376665590, gnomAD 0.008%). This variant has not been reported in the literature in individuals affected with TCF20-related conditions. ClinVar contains an entry for this variant (Variation ID: 2977218). An algorithm developed to predict the effect of missense changes on protein structure and function (PolyPhen-2) suggests that this variant is likely to be disruptive. In summary, the available evidence is currently insufficient to determine the role of this variant in disease. Therefore, it has been classified as a Variant of Uncertain Significance.

Ambry Genetics
Classification: Likely benign for Inborn genetic diseases. Last evaluated: 2025-04-11. Review status: criteria provided, single submitter. Criteria: Ambry Variant Classification Scheme 2023. Collection method: clinical testing. Allele origin: germline.